The following is an entry in ClinVar:

NM_004655.4(AXIN2):c.1263C>A (p.His421Gln)

Gene: AXIN2 (axin 2; minus strand). Cytogenetic location: 17q24.1.
Variant type: single nucleotide variant.
Coding change: c.1263C>A on transcript NM_004655.4 (MANE Select); coding-DNA position 1263, C replaced by A.
Protein change: p.His421Gln; replaces histidine 421 with glutamine.
Molecular consequence: missense variant.
Genome position (GRCh38, 1-based): chr17:65,537,773, G>T on the plus strand (C>A on the coding strand, the complement: AXIN2 is on the minus strand). VCF-style: chr17-65537773-G-T. GRCh37 (hg19) VCF-style: chr17-63533891-G-T.
Other names: c.1263C>A, p.His421Gln (NM_001363813.1); short protein forms H421Q.
Identifiers: ClinVar variation 2067884 (VCV002067884.4), dbSNP rs763220028, ClinGen allele CA400677853.

ClinVar aggregate classification (germline): Uncertain significance (1 of 4 stars; one submission).

Conditions:
Oligodontia-cancer predisposition syndrome. Also called: TOOTH AGENESIS-COLORECTAL CANCER SYNDROME. Identifiers: Orphanet 300576, MedGen C1837750, MONDO:0012075, OMIM 608615. Disease mechanism: loss of function.

gnomAD v4.1: 2 of 1,586,914 alleles (0.00013%); highest among the groups gnomAD compares: Non-Finnish European, 0.000086%; no homozygotes.

Submission:

Labcorp Genetics (formerly Invitae), Labcorp
Classification: Uncertain significance for Oligodontia-cancer predisposition syndrome. Last evaluated: 2021-12-31. Review status: criteria provided, single submitter. Criteria: Invitae Variant Classification Sherloc (09022015). Collection method: clinical testing. Allele origin: germline.
Comment: This sequence change replaces histidine, which is basic and polar, with glutamine, which is neutral and polar, at codon 421 of the AXIN2 protein (p.His421Gln). In summary, the available evidence is currently insufficient to determine the role of this variant in disease. Therefore, it has been classified as a Variant of Uncertain Significance. Algorithms developed to predict the effect of missense changes on protein structure and function (SIFT, PolyPhen-2, Align-GVGD) all suggest that this variant is likely to be tolerated. This variant has not been reported in the literature in individuals affected with AXIN2-related conditions. This variant is not present in population databases (gnomAD no frequency).